The following is an entry in ClinVar:

NM_017775.4(TTC19):c.997C>T (p.Arg333Ter)

Gene: TTC19 (tetratricopeptide repeat domain 19; plus strand). Cytogenetic location: 17p12.
Variant type: single nucleotide variant.
Coding change: c.997C>T on transcript NM_017775.4 (MANE Select); coding-DNA position 997, C replaced by T.
Protein change: p.Arg333Ter; replaces arginine 333 with a stop codon.
Molecular consequence: nonsense.
Genome position (GRCh38, 1-based): chr17:16,027,376, C>T. VCF-style: chr17-16027376-C-T. GRCh37 (hg19) VCF-style: chr17-15930690-C-T.
Other names: c.676C>T, p.Arg226Ter (NM_001271420.2); short protein forms R333*, R226*.
Identifiers: ClinVar variation 215305 (VCV000215305.4), dbSNP rs192522753, ClinGen allele CA321143.

ClinVar aggregate classification (germline): Conflicting classifications of pathogenicity. Review status: criteria provided, conflicting classifications (1 of 4 stars). 3 submissions from 3 submitters: Likely pathogenic (1); Uncertain significance (2). Last evaluated 2025-08-25.

Conditions:
Mitochondrial complex III deficiency nuclear type 2. Identifiers: MedGen C3554605, MONDO:0014063, OMIM 615157.

Allele frequency attached by ClinVar (database versions not stated): TOPMed 0.00001; ExAC 0.00002; gnomAD exomes 0.00002 and 0.00004; gnomAD 0.00004; ESP Exome Variant Server 0.00008; 1000 Genomes Project 30x 0.00016; 1000 Genomes Project 0.00020.
gnomAD v4.1: 37 of 1,613,748 alleles (0.0023%); highest among the groups gnomAD compares: African/African-American, 0.0027%; no homozygotes.

Submissions (3):

Clinical Genetics Laboratory, Skane University Hospital Lund
Classification: Likely pathogenic. Last evaluated: 2025-08-25. Review status: criteria provided, single submitter. Criteria: ACMG Guidelines, 2015. Collection method: clinical testing. Allele origin: germline. Affected: yes.
Comment: ACMG criteria used: PVS1_moderate, PM2, PM3.

GeneDx
Classification: Uncertain significance. Last evaluated: 2016-03-03. Review status: criteria provided, single submitter. Criteria: GeneDx Variant Classification (06012015). Collection method: clinical testing. Allele origin: germline. Affected: yes.
Comment: The R333X variant in the TTC19 gene has not been reported previously as a pathogenic variant nor as a benign variant, to our knowledge. This variant is predicted to cause loss of normal protein function through protein truncation. The R333X variant was not observed at any significant frequency in approximately 6,500 individuals of European and African American ancestry in the NHLBI Exome Sequencing Project, indicating it is not a common variant in these populations. We interpret R333X as a variant of uncertain significance.

Neuberg Centre For Genomic Medicine, NCGM
Classification: Uncertain significance for Mitochondrial complex III deficiency nuclear type 2. Review status: criteria provided, single submitter. Criteria: ACMG Guidelines, 2015. Collection method: clinical testing. Allele origin: germline. Inheritance: Autosomal recessive inheritance. Affected: yes.
Comment: The stop gained variant c.997C>T (p.Arg333Ter) in TTC19 gene has not been reported previously as a pathogenic variant nor as a benign variant, to our knowledge. This variant has been reported to the ClinVar database as Uncertain Significance. The c.997C>T variant is novel (not in any individuals) in 1000 Genomes and allele frequency of 0.003894% is reported in gnomAD. However since this variant is present in the last exon functional studies will be required to prove protein truncation. For these reasons, this variant has been classified as Uncertain Significance .